The following is an entry in ClinVar:

ClinVar aggregate classification (germline): Uncertain significance (1 of 4 stars; one submission).

Conditions:
Aicardi-Goutieres syndrome 5. Identifiers: Orphanet 51, MedGen C2749659, MONDO:0013059, OMIM 612952.

Allele frequency attached by ClinVar (database versions not stated): gnomAD 0.00001; gnomAD exomes 0.00001; TOPMed 0.00001.
gnomAD v4.1: 16 of 1,613,556 alleles (0.00099%); highest among the groups gnomAD compares: Admixed American, 0.005%; no homozygotes.

Submission:

Labcorp Genetics (formerly Invitae), Labcorp
Classification: Uncertain significance for Aicardi-Goutieres syndrome 5. Last evaluated: 2021-09-24. Review status: criteria provided, single submitter. Criteria: Invitae Variant Classification Sherloc (09022015). Collection method: clinical testing. Allele origin: germline.
Comment: This sequence change replaces asparagine with serine at codon 345 of the SAMHD1 protein (p.Asn345Ser). The asparagine residue is weakly conserved and there is a small physicochemical difference between asparagine and serine. This variant is not present in population databases (ExAC no frequency). This variant has not been reported in the literature in individuals with SAMHD1-related conditions. Algorithms developed to predict the effect of missense changes on protein structure and function output the following: SIFT: "Tolerated"; PolyPhen-2: "Benign"; Align-GVGD: "Class C0". The serine amino acid residue is found in multiple mammalian species, suggesting that this missense change does not adversely affect protein function. These predictions have not been confirmed by published functional studies and their clinical significance is uncertain. Algorithms developed to predict the effect of sequence changes on RNA splicing suggest that this variant may create or strengthen a splice site, but this prediction has not been confirmed by published transcriptional studies. In summary, the available evidence is currently insufficient to determine the role of this variant in disease. Therefore, it has been classified as a Variant of Uncertain Significance.

NM_015474.4(SAMHD1):c.1034A>G (p.Asn345Ser)

Gene: SAMHD1 (SAM and HD domain containing deoxynucleoside triphosphate triphosphohydrolase 1; minus strand). Cytogenetic location: 20q11.23.
Variant type: single nucleotide variant.
Coding change: c.1034A>G on transcript NM_015474.4 (MANE Select); coding-DNA position 1034, A replaced by G.
Protein change: p.Asn345Ser; replaces asparagine 345 with serine.
Molecular consequence: missense variant.
Genome position (GRCh38, 1-based): chr20:36,916,750, T>C on the plus strand (A>G on the coding strand, the complement: SAMHD1 is on the minus strand). VCF-style: chr20-36916750-T-C. GRCh37 (hg19) VCF-style: chr20-35545153-T-C.
Other names: c.1034A>G, p.Asn345Ser (NM_001363729.2, NM_001363733.2); short protein forms N345S.
Identifiers: ClinVar variation 1396764 (VCV001396764.5), dbSNP rs1273114275, ClinGen allele CA408844785.